The following is an entry in ClinVar:

ClinVar aggregate classification (germline): Conflicting classifications of pathogenicity. Review status: criteria provided, conflicting classifications (1 of 4 stars). 7 submissions from 7 submitters: Uncertain significance (1); Likely benign (5). 1 of the submissions does not count toward it. Last evaluated 2026-01-20.

Conditions:
Hereditary cancer-predisposing syndrome. Also called: Neoplastic Syndromes, Hereditary; Hereditary neoplastic syndrome; Hereditary Cancer Syndrome; Tumor predisposition. Identifiers: Orphanet 140162, MedGen C0027672, MeSH D009386, MONDO:0015356.
POLD1-related disorder. Also called: POLD1-related disorders; POLD1-related condition.
POLD1-related polyposis and colorectal cancer syndrome (CRCS10). Also called: Colorectal cancer, susceptibility to, 10; Colorectal cancer 10; COLORECTAL CANCER, SUSCEPTIBILITY TO, ON CHROMOSOME 19q. Identifiers: Orphanet 220460, MedGen C2675481, MONDO:0012953, OMIM 612591.

Allele frequency attached by ClinVar (database versions not stated): gnomAD 0.00002 and 0.00003; gnomAD exomes 0.00002 and 0.00010; TOPMed 0.00006; ExAC 0.00007.
gnomAD v4.1: 40 of 1,613,632 alleles (0.0025%); highest among the groups gnomAD compares: East Asian, 0.047%; no homozygotes.

Submissions (7):

Labcorp Genetics (formerly Invitae), Labcorp
Classification: Likely benign for POLD1-related polyposis and colorectal cancer syndrome. Last evaluated: 2026-01-20. Review status: criteria provided, single submitter. Criteria: Invitae Variant Classification Sherloc (09022015). Collection method: clinical testing. Allele origin: germline.

Center for Genomic Medicine, Rigshospitalet, Copenhagen University Hospital
Classification: Likely benign. Last evaluated: 2025-12-29. Review status: criteria provided, single submitter. Criteria: ACMG Guidelines, 2015. Collection method: clinical testing. Allele origin: germline.

Molecular Pathology, Peter Maccallum Cancer Centre
Classification: Uncertain significance for POLD1-related polyposis and colorectal cancer syndrome. Last evaluated: 2024-10-15. Review status: criteria provided, single submitter. Criteria: ACMG Guidelines, 2015. Collection method: clinical testing. Allele origin: germline. Inheritance: Autosomal dominant inheritance.

Ambry Genetics
Classification: Likely benign for Hereditary cancer-predisposing syndrome. Last evaluated: 2021-08-23. Review status: criteria provided, single submitter. Criteria: Ambry Variant Classification Scheme 2023. Collection method: clinical testing. Allele origin: germline.

Sema4
Classification: Likely benign for Hereditary cancer-predisposing syndrome. Last evaluated: 2021-04-05. Review status: criteria provided, single submitter. Criteria: Sema4 Curation Guidelines. Collection method: curation. Allele origin: germline.

GeneDx
Classification: Likely benign. Last evaluated: 2021-03-09. Review status: criteria provided, single submitter. Criteria: GeneDx Variant Classification Process June 2021. Collection method: clinical testing. Allele origin: germline. Affected: yes.
Comment: In silico analysis supports that this missense variant does not alter protein structure/function; Has not been previously published as germline pathogenic or benign to our knowledge; This variant is associated with the following publications: (PMID: 29056344, 27093186)

PreventionGenetics, part of Exact Sciences
Classification: Likely benign for POLD1-related condition. Last evaluated: 2023-07-09. Review status: no assertion criteria provided. Collection method: clinical testing. Allele origin: germline. Not counted in ClinVar's aggregate classification.
Comment: This variant is classified as likely benign based on ACMG/AMP sequence variant interpretation guidelines (Richards et al. 2015 PMID: 25741868, with internal and published modifications).

Literature cited by the submitters: PubMed 37848928 (cited by Center for Genomic Medicine, Rigshospitalet, Copenhagen University Hospital).

NM_002691.4(POLD1):c.1594G>A (p.Ala532Thr)

Gene: POLD1 (DNA polymerase delta 1, catalytic subunit; plus strand). Cytogenetic location: 19q13.33.
Variant type: single nucleotide variant.
Coding change: c.1594G>A on transcript NM_002691.4 (MANE Select); coding-DNA position 1594, G replaced by A.
Protein change: p.Ala532Thr; replaces alanine 532 with threonine.
Molecular consequence: missense variant. On other transcripts: non-coding transcript variant (1).
Genome position (GRCh38, 1-based): chr19:50,407,082, G>A. VCF-style: chr19-50407082-G-A. GRCh37 (hg19) VCF-style: chr19-50910339-G-A.
Other names: c.1594G>A, p.Ala532Thr (NM_001256849.1, NM_001308632.1); short protein forms A532T.
Identifiers: ClinVar variation 408006 (VCV000408006.32), dbSNP rs765276497, ClinGen allele CA9596184.
Genomic context (GRCh38, chr19:50,407,082, plus strand): 5'-TGCCTGAAGGATGCCTACCTGCCACTGCGGCTGCTGGAGCGGCTCATGGTGCTGGTGAAC[G>A]CCGTGGAGATGGCGAGGGTCACTGGCGTGCCCCTCAGCTACCTGCTCAGTCGTGGCCAGC-3'
Protein context (NP_002682.2, residues 522-542): LLERLMVLVN[Ala532Thr]VEMARVTGVP